The following is an entry in ClinVar:

NM_015047.3(EMC1):c.509+1G>T

Gene: EMC1 (ER membrane protein complex subunit 1; minus strand). Cytogenetic location: 1p36.13.
Variant type: single nucleotide variant.
Coding change: c.509+1G>T on transcript NM_015047.3 (MANE Select); the canonical splice donor site of the intron after coding-DNA position 509, G replaced by T.
Molecular consequence: splice donor variant.
Genome position (GRCh38, 1-based): chr1:19,242,344, C>A on the plus strand (G>T on the coding strand, the complement: EMC1 is on the minus strand). VCF-style: chr1-19242344-C-A. GRCh37 (hg19) VCF-style: chr1-19568838-C-A.
Other names: c.443+1G>T (NM_001271429.2); c.509+1G>T (NM_001271427.2, NM_001375821.1, NM_001271428.2 and 1 more transcripts).
Identifiers: ClinVar variation 2160116 (VCV002160116.1), dbSNP rs2093611226, ClinGen allele CA338770432.

ClinVar aggregate classification (germline): Likely pathogenic (1 of 4 stars; one submission).

Allele frequency attached by ClinVar (database versions not stated): gnomAD 0.00001; gnomAD exomes 0.00001.
gnomAD v4.1: 14 of 1,614,074 alleles (0.00087%); highest among the groups gnomAD compares: African/African-American, 0.0013%; no homozygotes.

Submission:

Labcorp Genetics (formerly Invitae), Labcorp
Classification: Likely pathogenic. Last evaluated: 2022-06-28. Review status: criteria provided, single submitter. Criteria: Invitae Variant Classification Sherloc (09022015). Collection method: clinical testing. Allele origin: germline.
Comment: This sequence change affects a donor splice site in intron 5 of the EMC1 gene. It is expected to disrupt RNA splicing. Variants that disrupt the donor or acceptor splice site typically lead to a loss of protein function (PMID: 16199547), and loss-of-function variants in EMC1 are known to be pathogenic (PMID: 26572623, 26942288, 29271071). This variant is not present in population databases (gnomAD no frequency). This variant has not been reported in the literature in individuals affected with EMC1-related conditions. Algorithms developed to predict the effect of sequence changes on RNA splicing suggest that this variant may disrupt the consensus splice site. In summary, the currently available evidence indicates that the variant is pathogenic, but additional data are needed to prove that conclusively. Therefore, this variant has been classified as Likely Pathogenic.

Literature cited by the submitters: PubMed 16199547; PubMed 26572623; PubMed 26942288; PubMed 29271071.